The following is an entry in ClinVar:

NM_004977.3(KCNC3):c.1930G>A (p.Glu644Lys)

Gene: KCNC3 (potassium voltage-gated channel subfamily C member 3; minus strand). Cytogenetic location: 19q13.33.
Variant type: single nucleotide variant.
Coding change: c.1930G>A on transcript NM_004977.3 (MANE Select); coding-DNA position 1930, G replaced by A.
Protein change: p.Glu644Lys; replaces glutamic acid 644 with lysine.
Molecular consequence: missense variant.
Genome position (GRCh38, 1-based): chr19:50,323,023, C>T on the plus strand (G>A on the coding strand, the complement: KCNC3 is on the minus strand). VCF-style: chr19-50323023-C-T. GRCh37 (hg19) VCF-style: chr19-50826280-C-T.
Other names: c.1702G>A, p.Glu568Lys (NM_001372305.1); short protein forms E568K, E644K.
Identifiers: ClinVar variation 1473990 (VCV001473990.8), dbSNP rs1307290372, ClinGen allele CA406949561.

ClinVar aggregate classification (germline): Uncertain significance (1 of 4 stars; one submission).

Allele frequency attached by ClinVar (database versions not stated): TOPMed below 0.00001; gnomAD exomes 0.00001.

Submission:

Labcorp Genetics (formerly Invitae), Labcorp
Classification: Uncertain significance. Last evaluated: 2022-02-10. Review status: criteria provided, single submitter. Criteria: Invitae Variant Classification Sherloc (09022015). Collection method: clinical testing. Allele origin: germline.
Comment: This sequence change replaces glutamic acid, which is acidic and polar, with lysine, which is basic and polar, at codon 644 of the KCNC3 protein (p.Glu644Lys). In summary, the available evidence is currently insufficient to determine the role of this variant in disease. Therefore, it has been classified as a Variant of Uncertain Significance. Advanced modeling of protein sequence and biophysical properties (such as structural, functional, and spatial information, amino acid conservation, physicochemical variation, residue mobility, and thermodynamic stability) performed at Invitae indicates that this missense variant is expected to disrupt KCNC3 protein function. This variant has not been reported in the literature in individuals affected with KCNC3-related conditions. The frequency data for this variant in the population databases is considered unreliable, as metrics indicate poor data quality at this position in the gnomAD database.